The following continues an entry in ClinVar:

NM_000180.4(GUCY2D):c.307G>A (p.Glu103Lys)

Gene: GUCY2D. ClinVar aggregate classification (germline): Likely pathogenic. Likely pathogenic (1).

Submissions 7 to 14 of 14:

Victorian Clinical Genetics Services, Murdoch Childrens Research Institute
Classification: Pathogenic for Leber congenital amaurosis 1. Last evaluated: 2022-02-02. Review status: criteria provided, single submitter. Criteria: ACMG Guidelines, 2015. Collection method: clinical testing. Allele origin: germline. Inheritance: Autosomal recessive inheritance. Affected: yes. Not counted in ClinVar's aggregate classification.
Comment: Based on the classification scheme VCGS_Germline_v1.3.4, this variant is classified as Pathogenic. Following criteria are met: 0103 - Loss of function and gain of function are known mechanisms of disease in this gene. Loss of function variants are associated with Leber congenital amaurosis 1 (LCA, MIM#204000) and gain of function variants are associated with Cone-rod dystrophy 6 (MIM#601777). Gain of function variants tend to cluster in the linker domain specifically around p.838 (OMIM, PMIDs: 29061346, 11709018, 11115851). (I) 0108 - This gene is associated with both recessive and dominant disease. Heterozygotes with autosomal dominant disease tend to be less severely affected (OMIM, PMID: 29061346). (I) 0200 - Variant is predicted to result in a missense amino acid change from glutamic acid to lysine. (I) 0251 - This variant is heterozygous. (I) 0304 - Variant is present in gnomAD v3 <0.01 for a recessive condition (5 heterozygotes, 0 homozygotes). (SP) 0501 - Missense variant consistently predicted to be damaging by multiple in silico tools or highly conserved with a major amino acid change. (SP) 0600 - Variant is located in the annotated receptor family ligand binding region (DECIPHER). (I) 0801 - This variant has strong previous evidence of pathogenicity in unrelated individuals. This variant has been observed in over ten individuals with Leber congenital amaurosis (ClinVar, PMIDs: 31704230, 18055820, 28041643, 29178642). (SP) 1208 - Inheritance information for this variant is not currently available in this individual. (I) Legend: (SP) - Supporting pathogenic, (I) - Information, (SB) - Supporting benign

GeneDx
Classification: Likely pathogenic. Last evaluated: 2021-11-17. Review status: criteria provided, single submitter. Criteria: GeneDx Variant Classification Process June 2021. Collection method: clinical testing. Allele origin: germline. Affected: yes. Not counted in ClinVar's aggregate classification.
Comment: In silico analysis, which includes protein predictors and evolutionary conservation, supports a deleterious effect; This variant is associated with the following publications: (PMID: 17964524, 34048777, 32581362, 18055820, 31704230, 28041643, 29178642)

Blueprint Genetics
Classification: Pathogenic for GUCY2D-related disorders. Last evaluated: 2021-02-22. Review status: criteria provided, single submitter. Criteria: ACMG Guidelines, 2015. Collection method: clinical testing. Allele origin: germline. Affected: yes. Observed: 5 variant alleles. Not counted in ClinVar's aggregate classification.

Genetics and Molecular Pathology, SA Pathology
Classification: Likely pathogenic for Leber congenital amaurosis 1. Last evaluated: 2020-06-30. Review status: criteria provided, single submitter. Criteria: ACMG Guidelines, 2015. Collection method: clinical testing. Allele origin: germline. Inheritance: Autosomal recessive inheritance. Affected: yes. Not counted in ClinVar's aggregate classification.

NIHR Bioresource Rare Diseases, University of Cambridge
Classification: Likely pathogenic for Cone-rod dystrophy. Last evaluated: 2015-01-01. Review status: no assertion criteria provided. Collection method: research. Allele origin: unknown. Affected: yes. Observed: 1 variant allele. Not counted in ClinVar's aggregate classification.

Genomics England Pilot Project, Genomics England
Classification: Likely pathogenic for Leber congenital amaurosis 1. Review status: no assertion criteria provided. Criteria: ACGS Guidelines, 2016. Collection method: clinical testing. Allele origin: germline. Affected: yes. Not counted in ClinVar's aggregate classification.

Laboratory of Genetics in Ophthalmology, Institut Imagine
Classification: Likely pathogenic for Leber congenital amaurosis 1. Review status: no assertion criteria provided. Collection method: research. Allele origin: inherited. Affected: yes. Observed: 2 variant alleles. Not counted in ClinVar's aggregate classification.

Retina International
No classification provided. Review status: no classification provided. Collection method: not provided. Allele origin: not provided. Not counted in ClinVar's aggregate classification.

Literature cited by the submitters: PubMed 29178642 (cited by 3 submitters); PubMed 31704230 (cited by 3 submitters); PubMed 28041643 (cited by 3 submitters); PubMed 21602930 (cited by Labcorp Genetics (formerly Invitae), Labcorp); PubMed 34048777 (cited by Labcorp Genetics (formerly Invitae), Labcorp); PubMed 11115851 (cited by Victorian Clinical Genetics Services, Murdoch Childrens Research Institute); PubMed 11709018 (cited by Victorian Clinical Genetics Services, Murdoch Childrens Research Institute); PubMed 18055820 (cited by 3 submitters); PubMed 29061346 (cited by Victorian Clinical Genetics Services, Murdoch Childrens Research Institute).